The following is an entry in ClinVar:

NM_001267550.2(TTN):c.70657T>C (p.Trp23553Arg)

Genes: TTN (titin; minus strand), TTN-AS1 (TTN antisense RNA 1; plus strand). Cytogenetic location: 2q31.2.
Variant type: single nucleotide variant.
Coding change: c.70657T>C on transcript NM_001267550.2 (MANE Select); coding-DNA position 70657, T replaced by C.
Protein change: p.Trp23553Arg; replaces tryptophan 23553 with arginine.
Molecular consequence: missense variant.
Genome position (GRCh38, 1-based): chr2:178,575,475, A>G on the plus strand (T>C on the coding strand, the complement: TTN is on the minus strand). VCF-style: chr2-178575475-A-G. GRCh37 (hg19) VCF-style: chr2-179440202-A-G.
Other names: c.65734T>C, p.Trp21912Arg (NM_001256850.1); c.43462T>C, p.Trp14488Arg (NM_003319.4); c.62953T>C, p.Trp20985Arg (NM_133378.4); c.43837T>C, p.Trp14613Arg (NM_133432.3); c.44038T>C, p.Trp14680Arg (NM_133437.4); short protein forms W14488R, W14613R, W14680R, W20985R, W21912R, W23553R.
Identifiers: ClinVar variation 5019758 (VCV005019758.2).

ClinVar aggregate classification (germline): Uncertain significance (1 of 4 stars; one submission).

Conditions:
Early-onset myopathy with fatal cardiomyopathy (CMYO5). Also called: Salih Myopathy; CONGENITAL MYOPATHY 5 WITH CARDIOMYOPATHY. Identifiers: Orphanet 289377, MedGen C2673677, MONDO:0012714, OMIM 611705. Disease mechanism: loss of function.
Hypertrophic cardiomyopathy 9. Also called: Familial hypertrophic cardiomyopathy 9. Identifiers: MedGen C1861065, MONDO:0013412, OMIM 613765.
Autosomal recessive limb-girdle muscular dystrophy type 2J (LGMDR10). Also called: Limb-girdle muscular dystrophy, type 2J; MUSCULAR DYSTROPHY, LIMB-GIRDLE, AUTOSOMAL RECESSIVE 10. Identifiers: Orphanet 140922, MedGen C1837342, MONDO:0012127, OMIM 608807.
Dilated cardiomyopathy 1G (CMD1G). Identifiers: Orphanet 154, MedGen C1858763, MONDO:0011400, OMIM 604145.
Tibial muscular dystrophy (TMD). Also called: UDD MYOPATHY; Udd Distal Myopathy – Tibial Muscular Dystrophy; Tibial muscular dystrophy, tardive. Identifiers: Orphanet 609, MedGen C1838244, MONDO:0010870, OMIM 600334.
Myopathy, myofibrillar, 9, with early respiratory failure (MFM9). Also called: MYOPATHY, PROXIMAL, WITH EARLY RESPIRATORY MUSCLE INVOLVEMENT; EDSTROM MYOPATHY; Hereditary myopathy with early respiratory failure; Myopathy, distal, with early respiratory failure, autosomal dominant. Identifiers: Orphanet 178464, Orphanet 34521, MedGen C1863599, MONDO:0011362, OMIM 603689.

Submission:

Juno Genomics, Hangzhou Juno Genomics, Inc
Classification: Uncertain significance for Hypertrophic cardiomyopathy 9; Dilated cardiomyopathy 1G; Early-onset myopathy with fatal cardiomyopathy; Autosomal recessive limb-girdle muscular dystrophy type 2J; Myopathy, myofibrillar, 9, with early respiratory failure; Tibial muscular dystrophy. Review status: criteria provided, single submitter. Criteria: ACMG Guidelines, 2015. Collection method: clinical testing. Allele origin: germline.
Comment: Absent from controls (or at extremely low frequency if recessive) in Genome Aggregation Database.;Multiple lines of computational evidence support a deleterious effect on the gene or gene product.;Missense variant in a gene that has a low rate of benign missense variation.